The following is an entry in ClinVar:

ClinVar aggregate classification (germline): Uncertain significance (1 of 4 stars; one submission).

Submission:

GeneDx
Classification: Uncertain significance. Last evaluated: 2019-11-08. Review status: criteria provided, single submitter. Criteria: GeneDx Variant Classification Process June 2021. Collection method: clinical testing. Allele origin: germline. Affected: yes.
Comment: Not observed in large population cohorts (Lek et al., 2016); In-frame deletion of 1 amino acids in a non-repeat region; In silico analysis, which includes protein predictors and evolutionary conservation, supports a deleterious effect; Has not been previously published as pathogenic or benign to our knowledge

NM_001848.3(COL6A1):c.197_199del (p.Thr66del)

Gene: COL6A1 (collagen type VI alpha 1 chain; plus strand). Cytogenetic location: 21q22.3.
Variant type: Deletion.
Coding change: c.197_199del on transcript NM_001848.3 (MANE Select); coding-DNA positions 197 to 199, 3 bases deleted (CCA; older notation c.197_199delCCA).
Protein change: p.Thr66del; deletes threonine 66.
Molecular consequence: inframe deletion.
Genome position (GRCh38, 1-based): chr21:45,982,733-45,982,735, CCA deleted; deleting any 3 consecutive bases within chr21:45,982,731-45,982,735 gives the same sequence; the c. name uses the placement nearest the transcript's 3' end. VCF-style (leftmost placement, unchanged base first): chr21-45982730-TCAC-T. GRCh37 (hg19) VCF-style: chr21-47402644-TCAC-T.
Other names: short protein forms T66del.
Identifiers: ClinVar variation 1309280 (VCV001309280.2), dbSNP rs2123460277, ClinGen allele CA2573054952.